The following is an entry in ClinVar:

NM_018127.7(ELAC2):c.1915A>G (p.Thr639Ala)

Gene: ELAC2 (elaC ribonuclease Z 2; minus strand). Cytogenetic location: 17p12.
Variant type: single nucleotide variant.
Coding change: c.1915A>G on transcript NM_018127.7 (MANE Select); coding-DNA position 1915, A replaced by G.
Protein change: p.Thr639Ala; replaces threonine 639 with alanine.
Molecular consequence: missense variant.
Genome position (GRCh38, 1-based): chr17:12,994,878, T>C on the plus strand (A>G on the coding strand, the complement: ELAC2 is on the minus strand). VCF-style: chr17-12994878-T-C. GRCh37 (hg19) VCF-style: chr17-12898195-T-C.
Other names: c.1795A>G, p.Thr599Ala (NM_001165962.2); c.1912A>G, p.Thr638Ala (NM_173717.2); short protein forms T638A, T599A, T639A.
Identifiers: ClinVar variation 1470977 (VCV001470977.5), dbSNP rs758792385, ClinGen allele CA8401006.

ClinVar aggregate classification (germline): Conflicting classifications of pathogenicity. Review status: criteria provided, conflicting classifications (1 of 4 stars). 2 submissions from 2 submitters: Pathogenic (1); Uncertain significance (1). Last evaluated 2021-09-29.

Conditions:
Combined oxidative phosphorylation defect type 17. Also called: Combined oxidative phosphorylation deficiency 17. Identifiers: Orphanet 369913, MedGen C3809526, MONDO:0014190, OMIM 615440.
Intellectual disability. Also called: Intellectual functioning disability; Intellectual developmental disorder; intellectual disabilities. Identifiers: MedGen C3714756, MeSH D008607, MONDO:0001071, HP:0001249.

Allele frequency attached by ClinVar (database versions not stated): gnomAD exomes 0.00001 and below 0.00001; TOPMed below 0.00001; gnomAD 0.00001; ExAC 0.00002.
gnomAD v4.1: 6 of 1,613,928 alleles (0.00037%); highest among the groups gnomAD compares: Non-Finnish European, 0.00051%; no homozygotes.

Submissions (2):

Labcorp Genetics (formerly Invitae), Labcorp
Classification: Uncertain significance for Combined oxidative phosphorylation defect type 17. Last evaluated: 2021-09-29. Review status: criteria provided, single submitter. Criteria: Invitae Variant Classification Sherloc (09022015). Collection method: clinical testing. Allele origin: germline.
Comment: In summary, the available evidence is currently insufficient to determine the role of this variant in disease. Therefore, it has been classified as a Variant of Uncertain Significance. Algorithms developed to predict the effect of missense changes on protein structure and function are either unavailable or do not agree on the potential impact of this missense change (SIFT: "Tolerated"; PolyPhen-2: "Possibly Damaging"; Align-GVGD: "Class C0"). This variant has not been reported in the literature in individuals affected with ELAC2-related conditions. This variant is present in population databases (rs758792385, ExAC 0.003%). This sequence change replaces threonine with alanine at codon 639 of the ELAC2 protein (p.Thr639Ala). The threonine residue is highly conserved and there is a small physicochemical difference between threonine and alanine.

Cambridge Genomics Laboratory, East Genomic Laboratory Hub, NHS Genomic Medicine Service
Classification: Pathogenic for Intellectual disability. Last evaluated: 2019-09-11. Review status: criteria provided, single submitter. Criteria: ACGS Best Practice Guidelines for Variant Classification in Rare Disease 2020. Collection method: clinical testing. Allele origin: germline. Affected: yes. Observed: 1 variant allele.